The following is an entry in ClinVar:

NM_000553.6(WRN):c.3682del (p.Val1228fs)

Gene: WRN (WRN RecQ like helicase; plus strand). Cytogenetic location: 8p12.
Variant type: Deletion.
Coding change: c.3682del on transcript NM_000553.6 (MANE Select); coding-DNA position 3682, one base deleted (G; older notation c.3682delG).
Protein change: p.Val1228fs; shifts the reading frame from valine 1228.
Molecular consequence: frameshift variant.
Genome position (GRCh38, 1-based): chr8:31,150,450, G deleted. VCF-style (leftmost placement, unchanged base first): chr8-31150449-TG-T. GRCh37 (hg19) VCF-style: chr8-31007965-TG-T.
Other names: short protein forms V1228fs.
Identifiers: ClinVar variation 581085 (VCV000581085.5), dbSNP rs1563382597, ClinGen allele CA580991954.
Genomic context (GRCh38, chr8:31,150,449, plus strand): 5'-CAAAGCTGCCATGTTGGCCCCTCTGTTGGAAGTCATCAAACATTTCTGCCAAACAAATAG[TG>T]TTCAGGTAAAATACTGTGGTTTGCAGGAGCTCTTAGAGAATAAGCATTTTTTGTAACCAT-3'

ClinVar aggregate classification (germline): Pathogenic (1 of 4 stars; one submission).

Conditions:
Werner syndrome (WRN). Identifiers: Orphanet 902, MedGen C0043119, MONDO:0010196, OMIM 277700.

Allele frequency attached by ClinVar (database versions not stated): gnomAD exomes below 0.00001.

Submission:

Labcorp Genetics (formerly Invitae), Labcorp
Classification: Pathogenic for Werner syndrome. Last evaluated: 2018-05-05. Review status: criteria provided, single submitter. Criteria: Invitae Variant Classification Sherloc (09022015). Collection method: clinical testing. Allele origin: germline.
Comment: For these reasons, this variant has been classified as Pathogenic. Loss-of-function variants in WRN are known to be pathogenic (PMID: 16673358). This variant has not been reported in the literature in individuals with WRN-related disease. This variant is not present in population databases (ExAC no frequency). This sequence change creates a premature translational stop signal (p.Val1228Phefs*20) in the WRN gene. It is expected to result in an absent or disrupted protein product.

Literature cited by the submitters: PubMed 16673358.